The following is an entry in ClinVar:

NM_001079872.2(CUL4B):c.360CTC[3] (p.Ser126_Ser128del)

Genes: CUL4B (cullin 4B; minus strand), LOC113845788 (Sharpr-MPRA regulatory region 11856; plus strand). Cytogenetic location: Xq24.
Variant type: Microsatellite.
Coding change: c.360CTC[3] on transcript NM_001079872.2 (MANE Select); three copies in a row of the 3-base unit CTC starting at c.360; the reference has six copies in a row; three copies, 9 bases deleted.
Protein change: p.Ser126_Ser128del.
Molecular consequence: inframe deletion.
Genome position (GRCh38, 1-based): chrX:120,560,262-120,560,270, GAGGAGGAG deleted on the plus strand (CTCCTCCTC on the coding strand, the reverse complement: CUL4B is on the minus strand); deleting any 9 consecutive bases within chrX:120,560,262-120,560,281 gives the same sequence; the position shown is the placement nearest the transcript's 3' end. VCF-style (leftmost placement, unchanged base first): chrX-120560261-TGAGGAGGAG-T. GRCh37 (hg19) VCF-style: chrX-119694116-TGAGGAGGAG-T.
Other names: c.423_431delCTCCTCCTC (NM_003588.3); c.375CTC[3], p.Ser131_Ser133del (NM_001330624.2); c.414CTC[3], p.Ser144_Ser146del (NM_003588.4).
Identifiers: ClinVar variation 504176 (VCV000504176.13), dbSNP rs754330779, ClinGen allele CA10505704.

ClinVar aggregate classification (germline): Conflicting classifications of pathogenicity. Review status: criteria provided, conflicting classifications (1 of 4 stars). 3 submissions from 3 submitters: Likely pathogenic (1); Uncertain significance (2). Last evaluated 2025-12-16.

Conditions:
CUL4B-related disorder. Also called: CUL4B-related condition.
X-linked intellectual disability Cabezas type (MRXSC). Also called: MENTAL RETARDATION, X-LINKED, SYNDROMIC 15; Intellectual developmental disorder, X-linked syndromic, Cabezas type; CABEZAS SYNDROME. Identifiers: Orphanet 85289, Orphanet 85293, MedGen C1845861, MONDO:0010306, OMIM 300354.

Submissions (3):

PreventionGenetics, part of Exact Sciences
Classification: Uncertain significance for CUL4B-related condition. Last evaluated: 2025-12-16. Review status: criteria provided, single submitter. Criteria: ACMG Guidelines, 2015. Collection method: clinical testing. Allele origin: germline.
Comment: The CUL4B c.423_431del9 variant is predicted to result in an in-frame deletion (p.Ser144_Ser146del). This variant, also known as c.412_420del (p.138_140del), has been reported in the hemizygous state in an individual with cerebral palsy (Table E1, Moreno-De-Luca et al. 2021. PubMed ID: 33528536). This variant is reported in 0.0057% of alleles in individuals of European (non-Finnish) descent in gnomAD. At this time, the clinical significance of this variant is uncertain due to the absence of conclusive functional and genetic evidence.

Labcorp Genetics (formerly Invitae), Labcorp
Classification: Uncertain significance for X-linked intellectual disability Cabezas type. Last evaluated: 2019-01-26. Review status: criteria provided, single submitter. Criteria: Invitae Variant Classification Sherloc (09022015). Collection method: clinical testing. Allele origin: germline.
Comment: Experimental studies and prediction algorithms are not available for this variant, and the functional significance of the affected amino acid(s) is currently unknown. In summary, the available evidence is currently insufficient to determine the role of this variant in disease. Therefore, it has been classified as a Variant of Uncertain Significance. This variant has not been reported in the literature in individuals with CUL4B-related conditions. ClinVar contains an entry for this variant (Variation ID: 504176). This variant is present in population databases (rs756411375, ExAC 0.004%), including at least one homozygous and/or hemizygous individual. This variant, c.423_431del, results in the deletion of 3 amino acid(s) of the CUL4B protein (p.Ser144_Ser146del), but otherwise preserves the integrity of the reading frame.

GeneDx
Classification: Likely pathogenic. Last evaluated: 2018-01-31. Review status: criteria provided, single submitter. Criteria: GeneDx Variant Classification (06012015). Collection method: clinical testing. Allele origin: germline. Affected: yes.
Comment: The c.423_431delCTCCTCCTC variant in the XXX gene has not been reported previously as a pathogenic variant, nor as a benign variant, to our knowledge. The c.423_431delCTCCTCCTC variant causes an inframe deletion of three amino acids starting at Serine 144, denoted p.S144_S146del. The c.423_431delCTCCTCCTC variant is observed in 5/86720 (0.0058%) alleles from individuals of non-Finnish European background, and 5/190079 total alleles in large population cohorts (Lek et al., 2016). We interpret c.423_431delCTCCTCCTC as a likely pathogenic variant.